The following is an entry in ClinVar:

ClinVar aggregate classification (germline): Benign (1 of 4 stars; one submission).

Conditions:
Cone-rod dystrophy 5 (CORD5). Identifiers: Orphanet 1872, MedGen C1832976, MONDO:0010969, OMIM 600977.

Allele frequency attached by ClinVar (database versions not stated): TOPMed 0.00055; gnomAD 0.00058 and 0.00070; 1000 Genomes Project 30x 0.00156; 1000 Genomes Project 0.00180.

Submission:

Illumina Laboratory Services, Illumina
Classification: Benign for Cone-rod dystrophy 5. Last evaluated: 2018-01-13. Review status: criteria provided, single submitter. Criteria: ICSL Variant Classification Criteria 13 December 2019. Collection method: clinical testing. Allele origin: germline.
Comment: This variant was observed in the ICSL laboratory as part of a predisposition screen in an ostensibly healthy population. It had not been previously curated by ICSL or reported in the Human Gene Mutation Database (HGMD: prior to June 1st, 2018), and was therefore a candidate for classification through an automated scoring system. Utilizing variant allele frequency, disease prevalence and penetrance estimates, and inheritance mode, an automated score was calculated to assess if this variant is too frequent to cause the disease. Based on the score and internal cut-off values, a variant classified as benign is not then subjected to further curation. The score for this variant resulted in a classification of benign for this disease.

NM_031220.4(PITPNM3):c.*3390C>T

Gene: PITPNM3 (PITPNM family member 3; minus strand). Cytogenetic location: 17p13.2.
Variant type: single nucleotide variant.
Coding change: c.*3390C>T on transcript NM_031220.4 (MANE Select); 3390 bases downstream of the stop codon, C replaced by T.
Molecular consequence: 3 prime UTR variant.
Genome position (GRCh38, 1-based): chr17:6,451,948, G>A on the plus strand (C>T on the coding strand, the complement: PITPNM3 is on the minus strand). VCF-style: chr17-6451948-G-A. GRCh37 (hg19) VCF-style: chr17-6355268-G-A.
Other names: c.*3390C>T (NM_001165966.2).
Identifiers: ClinVar variation 324677 (VCV000324677.5), dbSNP rs552116533, ClinGen allele CA10640274.